The following is an entry in ClinVar:

NM_000744.7(CHRNA4):c.1726G>A (p.Asp576Asn)

Gene: CHRNA4 (cholinergic receptor nicotinic alpha 4 subunit; minus strand). Cytogenetic location: 20q13.33.
Variant type: single nucleotide variant.
Coding change: c.1726G>A on transcript NM_000744.7 (MANE Select); coding-DNA position 1726, G replaced by A.
Protein change: p.Asp576Asn; replaces aspartic acid 576 with asparagine.
Molecular consequence: missense variant. On other transcripts: non-coding transcript variant (1).
Genome position (GRCh38, 1-based): chr20:63,349,685, C>T on the plus strand (G>A on the coding strand, the complement: CHRNA4 is on the minus strand). VCF-style: chr20-63349685-C-T. GRCh37 (hg19) VCF-style: chr20-61981037-C-T.
Other names: c.1198G>A, p.Asp400Asn (NM_001256573.2); short protein forms D576N, D400N.
Identifiers: ClinVar variation 411845 (VCV000411845.10), dbSNP rs537904499, ClinGen allele CA9957539.

ClinVar aggregate classification (germline): Uncertain significance (1 of 4 stars; one submission).

Conditions:
Familial sleep-related hypermotor epilepsy. Also called: Autosomal Dominant Sleep-Related Hypermotor (Hyperkinetic) Epilepsy. Identifiers: Orphanet 98784, MedGen C3696898, MONDO:0000030.

gnomAD v4.1: 15 of 1,612,780 alleles (0.00093%); highest among the groups gnomAD compares: Admixed American, 0.022%; no homozygotes.

Submission:

Labcorp Genetics (formerly Invitae), Labcorp
Classification: Uncertain significance. Last evaluated: 2025-10-01. Review status: criteria provided, single submitter. Criteria: Invitae Variant Classification Sherloc (09022015). Collection method: clinical testing. Allele origin: germline.
Comment: This sequence change replaces aspartic acid, which is acidic and polar, with asparagine, which is neutral and polar, at codon 576 of the CHRNA4 protein (p.Asp576Asn). This variant is present in population databases (rs537904499, gnomAD 0.03%). This variant has not been reported in the literature in individuals affected with CHRNA4-related conditions. ClinVar contains an entry for this variant (Variation ID: 411845). Invitae Evidence Modeling of protein sequence and biophysical properties (such as structural, functional, and spatial information, amino acid conservation, physicochemical variation, residue mobility, and thermodynamic stability) indicates that this missense variant is not expected to disrupt CHRNA4 protein function with a negative predictive value of 80%. In summary, the available evidence is currently insufficient to determine the role of this variant in disease. Therefore, it has been classified as a Variant of Uncertain Significance.